The following is an entry in ClinVar:

NM_002691.4(POLD1):c.3314_3315dup (p.Ala1106fs)

Gene: POLD1 (DNA polymerase delta 1, catalytic subunit; plus strand). Cytogenetic location: 19q13.33.
Variant type: Duplication.
Coding change: c.3314_3315dup on transcript NM_002691.4 (MANE Select); coding-DNA positions 3314 to 3315, 2 bases duplicated (AG; older notation c.3314_3315dupAG).
Protein change: p.Ala1106fs; shifts the reading frame from alanine 1106.
Molecular consequence: frameshift variant. On other transcripts: non-coding transcript variant (1).
Genome position (GRCh38, 1-based): chr19:50,417,937-50,417,938, AG duplicated; duplicating any 2 consecutive bases within chr19:50,417,936-50,417,938 gives the same sequence; the c. name uses the placement nearest the transcript's 3' end. VCF-style (leftmost placement, unchanged base first): chr19-50417935-T-TGA. GRCh37 (hg19) VCF-style: chr19-50921192-T-TGA.
Other names: c.3314_3315dup, p.Ala1106fs (NM_001256849.1); c.3392_3393dup, p.Ala1132fs (NM_001308632.1); short protein forms A1106fs, A1132fs.
Identifiers: ClinVar variation 2752950 (VCV002752950.3), dbSNP rs2514088540, ClinGen allele CA2697547229.
Genomic context (GRCh38, chr19:50,417,935, plus strand): 5'-GGTGCGGAAGGACCTGGAAGACCAGGAGCAGCTCCTGCGGCGCTTCGGACCCCCTGGACC[T>TGA]GAGGCCTGGTGACCTTGCAAGCATCCCATGGGGCGGGGGCGGGACCAGGGAGAATTAATA-3'

ClinVar aggregate classification (germline): Uncertain significance (1 of 4 stars; one submission).

Conditions:
POLD1-related polyposis and colorectal cancer syndrome (CRCS10). Also called: Colorectal cancer 10; Colorectal cancer, susceptibility to, 10; COLORECTAL CANCER, SUSCEPTIBILITY TO, ON CHROMOSOME 19q. Identifiers: Orphanet 220460, MedGen C2675481, MONDO:0012953, OMIM 612591.

Submission:

Labcorp Genetics (formerly Invitae), Labcorp
Classification: Uncertain significance for POLD1-related polyposis and colorectal cancer syndrome. Last evaluated: 2023-05-31. Review status: criteria provided, single submitter. Criteria: Invitae Variant Classification Sherloc (09022015). Collection method: clinical testing. Allele origin: germline.
Comment: In summary, the available evidence is currently insufficient to determine the role of this variant in disease. Therefore, it has been classified as a Variant of Uncertain Significance. Experimental studies and prediction algorithms are not available or were not evaluated, and the functional significance of this variant is currently unknown. This variant has not been reported in the literature in individuals affected with POLD1-related conditions. This variant is not present in population databases (gnomAD no frequency). This sequence change results in a frameshift in the POLD1 gene (p.Ala1106Argfs*19). Missense variants that disrupt the 3'-5' exonuclease (proof-reading) activity of the POLD1 protein are associated with PPAP (polymerase proofreading–associated polyposis) (PMID: 23263490, 23447401). However, loss-of-function variants that result in an absent or severely disrupted POLD1 protein, and missense variants outside the exonuclease domain, are unlikely to be associated with PPAP.

Literature cited by the submitters: PubMed 23263490; PubMed 23447401.